The following is an entry in ClinVar:

NM_144585.4(SLC22A12):c.1607_1624dup (p.Lys536_Gly541dup)

Gene: SLC22A12 (solute carrier family 22 member 12; plus strand). Cytogenetic location: 11q13.1.
Variant type: Duplication.
Coding change: c.1607_1624dup on transcript NM_144585.4 (MANE Select); coding-DNA positions 1607 to 1624, 18 bases duplicated (AGAAGGCAACACATGGCA).
Protein change: p.Lys536_Gly541dup.
Molecular consequence: inframe insertion.
Genome position (GRCh38, 1-based): chr11:64,601,496-64,601,513, AGAAGGCAACACATGGCA duplicated; duplicating any 18 consecutive bases within chr11:64,601,495-64,601,513 gives the same sequence; the c. name uses the placement nearest the transcript's 3' end. VCF-style (leftmost placement, unchanged base first): chr11-64601494-A-AAAGAAGGCAACACATGGC. GRCh37 (hg19) VCF-style: chr11-64368966-A-AAAGAAGGCAACACATGGC.
Other names: c.1505_1522dup, p.Lys502_Gly507dup (NM_001276326.2); c.1283_1300dup, p.Lys428_Gly433dup (NM_001276327.2); c.944_961dup, p.Lys315_Gly320dup (NM_153378.3); c.1607_1624dup (NM_144585.3).
Identifiers: ClinVar variation 1116125 (VCV001116125.10), dbSNP rs398122316, ClinGen allele CA6077518.

ClinVar aggregate classification (germline): Conflicting classifications of pathogenicity. Review status: criteria provided, conflicting classifications (1 of 4 stars). 2 submissions from 2 submitters: Uncertain significance (1); Likely benign (1). Last evaluated 2026-03-10.

Submissions (2):

GeneDx
Classification: Uncertain significance. Last evaluated: 2026-03-10. Review status: criteria provided, single submitter. Criteria: GeneDx Variant Classification Process June 2021. Collection method: clinical testing. Allele origin: germline.
Comment: In-frame duplication of 6 amino acid(s) in a non-repeat region; Has not been previously published as pathogenic or benign to our knowledge

Labcorp Genetics (formerly Invitae), Labcorp
Classification: Likely benign. Last evaluated: 2025-12-08. Review status: criteria provided, single submitter. Criteria: Invitae Variant Classification Sherloc (09022015). Collection method: clinical testing. Allele origin: germline.